The following is an entry in ClinVar:

ClinVar aggregate classification (germline): Pathogenic (1 of 4 stars; one submission).

Conditions:
Neurofibromatosis, type 1 (NF1). Also called: NEUROFIBROMATOSIS, TYPE I, SOMATIC; VON RECKLINGHAUSEN DISEASE; Peripheral type neurofibromatosis; Neurofibromatosis, type I. Identifiers: Orphanet 636, MedGen C0027831, MONDO:0018975, OMIM 162200. Disease mechanism: loss of function.

Submission:

Labcorp Genetics (formerly Invitae), Labcorp
Classification: Pathogenic for Neurofibromatosis, type 1. Last evaluated: 2025-08-01. Review status: criteria provided, single submitter. Criteria: Invitae Variant Classification Sherloc (09022015). Collection method: clinical testing. Allele origin: germline.
Comment: This sequence change creates a premature translational stop signal (p.Arg1666Glyfs*11) in the NF1 gene. It is expected to result in an absent or disrupted protein product. Loss-of-function variants in NF1 are known to be pathogenic (PMID: 10712197, 23913538). This variant is not present in population databases (gnomAD no frequency). This variant has not been reported in the literature in individuals affected with NF1-related conditions. Algorithms developed to predict the effect of sequence changes on RNA splicing suggest that this variant may create or strengthen a splice site. For these reasons, this variant has been classified as Pathogenic.

Literature cited by the submitters: PubMed 10712197; PubMed 23913538.

NM_001042492.3(NF1):c.5058del (p.Arg1687fs)

Gene: NF1 (neurofibromin 1; plus strand). Cytogenetic location: 17q11.2.
Variant type: Deletion.
Coding change: c.5058del on transcript NM_001042492.3 (MANE Select); coding-DNA position 5058, one base deleted (C; older notation c.5058delC).
Protein change: p.Arg1687fs; shifts the reading frame from arginine 1687.
Molecular consequence: frameshift variant.
Genome position (GRCh38, 1-based): chr17:31,326,042, C deleted. VCF-style (leftmost placement, unchanged base first): chr17-31326041-TC-T. GRCh37 (hg19) VCF-style: chr17-29653059-TC-T.
Other names: c.4995del, p.Arg1666fs (NM_000267.4); short protein forms R1687fs, R1666fs.
Identifiers: ClinVar variation 4724604 (VCV004724604.1).
Genomic context (GRCh38, chr17:31,326,041, plus strand): 5'-TTCCTGGCTTTGCTTACGACAACGTCTCCGCAGTCTATATCTATAACTGTAACTCCTGGG[TC>T]AGGGAGTACACCAAGTATCATGAGCGGCTGCTGACTGGCCTCAAAGGTAGCAAAAGGCTT-3'